The following is an entry in ClinVar:

NM_005902.4(SMAD3):c.-9T>C

Genes: SMAD3 (SMAD family member 3; plus strand), LOC130057352 (ATAC-STARR-seq lymphoblastoid silent region 6574; plus strand). Cytogenetic location: 15q22.33.
Variant type: single nucleotide variant.
Coding change: c.-9T>C on transcript NM_005902.4 (MANE Select); 9 bases upstream of the start codon, T replaced by C.
Molecular consequence: 5 prime UTR variant.
Genome position (GRCh38, 1-based): chr15:67,066,146, T>C. VCF-style: chr15-67066146-T-C. GRCh37 (hg19) VCF-style: chr15-67358484-T-C.
Other names: c.-9T>C (NM_001407011.1, NM_001407012.1, NM_001407013.1).
Identifiers: ClinVar variation 4759012 (VCV004759012.1).

ClinVar aggregate classification (germline): Uncertain significance (1 of 4 stars; one submission).

Conditions:
Familial thoracic aortic aneurysm and aortic dissection (TAAD). Also called: Thoracic aortic aneurysms and dissections. Identifiers: Orphanet 91387, MedGen C4707243, MONDO:0019625.

Submission:

Color Diagnostics, LLC DBA Color Health
Classification: Uncertain significance for Familial thoracic aortic aneurysm and aortic dissection. Last evaluated: 2025-08-04. Review status: criteria provided, single submitter. Criteria: ACMG Guidelines, 2015. Collection method: clinical testing. Allele origin: germline.
Comment: This variant is located in the 5' untranslated region of the SMAD3 gene. To our knowledge, functional studies have not been reported for this variant. This variant has not been reported in individuals affected with SMAD3-related disorders in the literature. This variant has not been identified in the general population by the Genome Aggregation Database (gnomAD). The available evidence is insufficient to determine the role of this variant in disease conclusively. Therefore, this variant is classified as a Variant of Uncertain Significance.